The following is an entry in ClinVar:

ClinVar aggregate classification (germline): Uncertain significance (1 of 4 stars; one submission).

Conditions:
Inborn genetic diseases. Identifiers: MedGen C0950123, MeSH D030342.

Allele frequency attached by ClinVar (database versions not stated): gnomAD exomes below 0.00001; TOPMed below 0.00001.
gnomAD v4.1: 3 of 1,613,314 alleles (0.00019%); highest among the groups gnomAD compares: Non-Finnish European, 0.000085%; no homozygotes.

Submission:

Ambry Genetics
Classification: Uncertain significance for Inborn genetic diseases. Last evaluated: 2024-03-12. Review status: criteria provided, single submitter. Criteria: Ambry Variant Classification Scheme 2023. Collection method: clinical testing. Allele origin: germline.
Comment: The p.C2319F variant (also known as c.6956G>T), located in coding exon 47 of the LRRK2 gene, results from a G to T substitution at nucleotide position 6956. The cysteine at codon 2319 is replaced by phenylalanine, an amino acid with highly dissimilar properties. This amino acid position is conserved. In addition, the in silico prediction for this alteration is inconclusive. Since supporting evidence is limited at this time, the clinical significance of this alteration remains unclear.

NM_198578.4(LRRK2):c.6956G>T (p.Cys2319Phe)

Gene: LRRK2 (leucine rich repeat kinase 2; plus strand). Cytogenetic location: 12q12.
Variant type: single nucleotide variant.
Coding change: c.6956G>T on transcript NM_198578.4 (MANE Select); coding-DNA position 6956, G replaced by T.
Protein change: p.Cys2319Phe; replaces cysteine 2319 with phenylalanine.
Molecular consequence: missense variant.
Genome position (GRCh38, 1-based): chr12:40,359,372, G>T. VCF-style: chr12-40359372-G-T. GRCh37 (hg19) VCF-style: chr12-40753174-G-T.
Other names: short protein forms C2319F.
Identifiers: ClinVar variation 1756302 (VCV001756302.2), dbSNP rs796121981, ClinGen allele CA384411882.